The following is an entry in ClinVar:

NM_000383.4(AIRE):c.1081C>T (p.Pro361Ser)

Gene: AIRE (autoimmune regulator; plus strand). Cytogenetic location: 21q22.3.
Variant type: single nucleotide variant.
Coding change: c.1081C>T on transcript NM_000383.4 (MANE Select); coding-DNA position 1081, C replaced by T.
Protein change: p.Pro361Ser; replaces proline 361 with serine.
Molecular consequence: missense variant.
Genome position (GRCh38, 1-based): chr21:44,292,387, C>T. VCF-style: chr21-44292387-C-T. GRCh37 (hg19) VCF-style: chr21-45712270-C-T.
Other names: short protein forms P361S.
Identifiers: ClinVar variation 969701 (VCV000969701.8), dbSNP rs1267538837, ClinGen allele CA410425217.

ClinVar aggregate classification (germline): Uncertain significance. Review status: criteria provided, single submitter (1 of 4 stars). 2 submissions from 2 submitters: Uncertain significance (1). 1 of the submissions does not count toward it. Last evaluated 2026-01-27.

Conditions:
Polyglandular autoimmune syndrome, type 1 (APS1). Also called: PGA I; Autoimmune polyendocrinopathy syndrome , type I, with or without reversible metaphyseal dysplasia; Autoimmune polyendocrine syndrome type 1; HYPOADRENOCORTICISM WITH HYPOPARATHYROIDISM AND SUPERFICIAL MONILIASIS; Autoimmune polyendocrinopathy syndrome, type I; Whitaker syndrome. Identifiers: Orphanet 3453, MedGen C0085859, MONDO:0009411, OMIM 240300.

Allele frequency attached by ClinVar (database versions not stated): gnomAD exomes 0.00002 and 0.00007; gnomAD 0.00003 and 0.00004; TOPMed 0.00006.
gnomAD v4.1: 31 of 1,554,092 alleles (0.002%); highest among the groups gnomAD compares: Admixed American, 0.058%; 1 homozygote.

Submissions (2):

Labcorp Genetics (formerly Invitae), Labcorp
Classification: Uncertain significance for Polyglandular autoimmune syndrome, type 1. Last evaluated: 2026-01-27. Review status: criteria provided, single submitter. Criteria: Invitae Variant Classification Sherloc (09022015). Collection method: clinical testing. Allele origin: germline.
Comment: This sequence change replaces proline, which is neutral and non-polar, with serine, which is neutral and polar, at codon 361 of the AIRE protein (p.Pro361Ser). This variant is present in population databases (no rsID available, gnomAD 0.05%). This variant has not been reported in the literature in individuals affected with AIRE-related conditions. ClinVar contains an entry for this variant (Variation ID: 969701). Invitae Evidence Modeling of protein sequence and biophysical properties (such as structural, functional, and spatial information, amino acid conservation, physicochemical variation, residue mobility, and thermodynamic stability) indicates that this missense variant is not expected to disrupt AIRE protein function with a negative predictive value of 95%. In summary, the available evidence is currently insufficient to determine the role of this variant in disease. Therefore, it has been classified as a Variant of Uncertain Significance.

Natera, Inc.
Classification: Uncertain significance for Polyglandular autoimmune syndrome type 1. Last evaluated: 2020-02-13. Review status: no assertion criteria provided. Collection method: clinical testing. Allele origin: germline. Not counted in ClinVar's aggregate classification.